The following is an entry in ClinVar:

ClinVar aggregate classification (germline): Likely pathogenic (1 of 4 stars; one submission).

Conditions:
DICER1-related tumor predisposition. Also called: DICER1-related pleuropulmonary blastoma cancer predisposition syndrome; DICER1 syndrome. Identifiers: Orphanet 284343, MedGen C3839822, MONDO:0100216.

Submission:

Labcorp Genetics (formerly Invitae), Labcorp
Classification: Likely pathogenic for DICER1-related tumor predisposition. Last evaluated: 2022-07-18. Review status: criteria provided, single submitter. Criteria: Invitae Variant Classification Sherloc (09022015). Collection method: clinical testing. Allele origin: germline.
Comment: Algorithms developed to predict the effect of sequence changes on RNA splicing suggest that this variant may disrupt the consensus splice site. ClinVar contains an entry for this variant (Variation ID: 1066234). This variant has not been reported in the literature in individuals affected with DICER1-related conditions. This variant is not present in population databases (gnomAD no frequency). This sequence change affects a donor splice site in intron 24 of the DICER1 gene. It is expected to disrupt RNA splicing. Variants that disrupt the donor or acceptor splice site typically lead to a loss of protein function (PMID: 16199547), and loss-of-function variants in DICER1 are known to be pathogenic (PMID: 19556464, 21266384). In summary, the currently available evidence indicates that the variant is pathogenic, but additional data are needed to prove that conclusively. Therefore, this variant has been classified as Likely Pathogenic.

Literature cited by the submitters: PubMed 16199547; PubMed 19556464; PubMed 21266384.

NM_177438.3(DICER1):c.5364+1G>C

Gene: DICER1 (dicer 1, ribonuclease III; minus strand). Cytogenetic location: 14q32.13.
Variant type: single nucleotide variant.
Coding change: c.5364+1G>C on transcript NM_177438.3 (MANE Select); the canonical splice donor site of the intron after coding-DNA position 5364, G replaced by C.
Molecular consequence: splice donor variant.
Genome position (GRCh38, 1-based): chr14:95,093,887, C>G on the plus strand (G>C on the coding strand, the complement: DICER1 is on the minus strand). VCF-style: chr14-95093887-C-G. GRCh37 (hg19) VCF-style: chr14-95560224-C-G.
Other names: c.5364+1G>C (NM_001291628.2, NM_030621.4, NM_001395677.1 and 8 more transcripts); c.4959+1G>C (NM_001395690.1, NM_001395687.1, NM_001395689.1 and 1 more transcripts); c.5082+1G>C (NM_001395686.1); c.4797+1G>C (NM_001395691.1); c.3681+1G>C (NM_001395697.1).
Identifiers: ClinVar variation 1066234 (VCV001066234.8), dbSNP rs1131691227, ClinGen allele CA390864841.